The following is an entry in ClinVar:

NM_006389.5(HYOU1):c.251G>A (p.Ser84Asn)

Gene: HYOU1 (hypoxia up-regulated 1; minus strand). Cytogenetic location: 11q23.3.
Variant type: single nucleotide variant.
Coding change: c.251G>A on transcript NM_006389.5 (MANE Select); coding-DNA position 251, G replaced by A.
Protein change: p.Ser84Asn; replaces serine 84 with asparagine.
Molecular consequence: missense variant.
Genome position (GRCh38, 1-based): chr11:119,055,506, C>T on the plus strand (G>A on the coding strand, the complement: HYOU1 is on the minus strand). VCF-style: chr11-119055506-C-T. GRCh37 (hg19) VCF-style: chr11-118926218-C-T.
Other names: c.251G>A, p.Ser84Asn (NM_001130991.3, NM_001411041.1); short protein forms S84N.
Identifiers: ClinVar variation 3697888 (VCV003697888.2).

ClinVar aggregate classification (germline): Uncertain significance (1 of 4 stars; one submission).

gnomAD v4.1: 2 of 1,614,106 alleles (0.00012%); highest among the groups gnomAD compares: Admixed American, 0.0017%; no homozygotes.

Submission:

Labcorp Genetics (formerly Invitae), Labcorp
Classification: Uncertain significance. Last evaluated: 2024-09-04. Review status: criteria provided, single submitter. Criteria: Invitae Variant Classification Sherloc (09022015). Collection method: clinical testing. Allele origin: germline.
Comment: This sequence change replaces serine, which is neutral and polar, with asparagine, which is neutral and polar, at codon 84 of the HYOU1 protein (p.Ser84Asn). This variant is present in population databases (rs782085722, gnomAD 0.003%). This variant has not been reported in the literature in individuals affected with HYOU1-related conditions. An algorithm developed to predict the effect of missense changes on protein structure and function (PolyPhen-2) suggests that this variant is likely to be tolerated. In summary, the available evidence is currently insufficient to determine the role of this variant in disease. Therefore, it has been classified as a Variant of Uncertain Significance.